The following is an entry in ClinVar:

NM_153717.3(EVC):c.8G>C (p.Arg3Pro)

Genes: EVC (EvC ciliary complex subunit 1; plus strand), LOC129992144 (ATAC-STARR-seq lymphoblastoid silent region 15223; plus strand). Cytogenetic location: 4p16.2.
Variant type: single nucleotide variant.
Coding change: c.8G>C on transcript NM_153717.3 (MANE Select); coding-DNA position 8, G replaced by C.
Protein change: p.Arg3Pro; replaces arginine 3 with proline.
Molecular consequence: missense variant.
Genome position (GRCh38, 1-based): chr4:5,711,388, G>C. VCF-style: chr4-5711388-G-C. GRCh37 (hg19) VCF-style: chr4-5713115-G-C.
Other names: c.8G>C, p.Arg3Pro (NM_001306090.2, NM_001306092.2); short protein forms R3P.
Identifiers: ClinVar variation 193508 (VCV000193508.58), dbSNP rs756852655, ClinGen allele CA239040.

ClinVar aggregate classification (germline): Conflicting classifications of pathogenicity. Review status: criteria provided, conflicting classifications (1 of 4 stars). 12 submissions from 12 submitters: Uncertain significance (6); Likely benign (4). 2 of the submissions do not count toward it. Last evaluated 2026-05-22.

Conditions:
EVC-related disorder. Also called: EVC-related condition; EVC-related disorders.
Inborn genetic diseases. Identifiers: MedGen C0950123, MeSH D030342.
Ellis-van Creveld syndrome (EVC). Also called: MESOECTODERMAL DYSPLASIA; Chondroectodermal dysplasia. Identifiers: Orphanet 289, MedGen C0013903, MONDO:0009162, OMIM 225500.
Curry-Hall syndrome (WAD). Also called: WEYERS ACRODENTAL DYSOSTOSIS. Identifiers: Orphanet 952, MedGen C0457013, MONDO:0008673, OMIM 193530.

Allele frequency attached by ClinVar (database versions not stated): 1000 Genomes Project 30x 0.00141; gnomAD 0.00191 and 0.00195; TOPMed 0.00198; gnomAD exomes 0.00403.
gnomAD v4.1: 3,713 of 1,012,094 alleles (0.37%); highest among the groups gnomAD compares: Non-Finnish European, 0.42%; 8 homozygotes.

Submissions (12):

Women's Health and Genetics/Laboratory Corporation of America, LabCorp
Classification: Likely benign. Last evaluated: 2026-05-22. Review status: criteria provided, single submitter. Criteria: LabCorp Variant Classification Summary - May 2015. Collection method: clinical testing. Allele origin: germline.
Comment: Variant summary: EVC c.8G>C (p.Arg3Pro) results in a non-conservative amino acid change in the encoded protein sequence. Algorithms developed to predict the effect of missense changes on protein structure and function are either unavailable or do not agree on the potential impact of this missense change. The variant allele was found at a frequency of 0.0037 in 1012094 control chromosomes in the gnomAD database, including 8 homozygotes. c.8G>C has been observed in the literature as a heterozygous genotype in at-least two individuals within a cohort with known COL1A1/A2 gene variants and a diagnosis of Osteogenesis Imperfecta (OI) (Andersson_2020). These reports do not provide unequivocal conclusions about association of the variant with disease. To our knowledge, no experimental evidence demonstrating an impact on protein function has been reported. The following publication have been ascertained in the context of this evaluation (PMID: 32234057). ClinVar contains an entry for this variant (Variation ID: 193508). Based on the evidence outlined above, the variant was classified as likely benign.

Labcorp Genetics (formerly Invitae), Labcorp
Classification: Likely benign for Curry-Hall syndrome; Ellis-van Creveld syndrome. Last evaluated: 2026-02-04. Review status: criteria provided, single submitter. Criteria: Invitae Variant Classification Sherloc (09022015). Collection method: clinical testing. Allele origin: germline.

Blueprint Genetics
Classification: Likely benign. Last evaluated: 2024-11-18. Review status: criteria provided, single submitter. Criteria: ACMG Guidelines, 2015. Collection method: clinical testing. Allele origin: germline.

CeGaT Center for Human Genetics Tuebingen
Classification: Uncertain significance. Last evaluated: 2024-03-01. Review status: criteria provided, single submitter. Criteria: CeGaT Center For Human Genetics Tuebingen Variant Classification Criteria Version 2. Collection method: clinical testing. Allele origin: germline. Affected: yes. Observed: 1 variant allele.

Ambry Genetics
Classification: Uncertain significance for Inborn genetic diseases. Last evaluated: 2021-07-15. Review status: criteria provided, single submitter. Criteria: Ambry Variant Classification Scheme 2023. Collection method: clinical testing. Allele origin: germline.

ARUP Laboratories, Molecular Genetics and Genomics, ARUP Laboratories
Classification: Uncertain significance. Last evaluated: 2020-07-04. Review status: criteria provided, single submitter. Criteria: ARUP Molecular Germline Variant Investigation Process. Collection method: clinical testing. Allele origin: germline.
Comment: The EVC c.8G>C; p.Arg3Pro (rs756852655), to our knowledge, is not described in the medical literature but is reported as a variant of uncertain clinical significance in ClinVar (Variation ID 193508) and is observed in the general population at an overall allele frequency of 0.17% (45/26668 alleles) in the Genome Aggregation Database. The arginine at codon 3 is weakly conserved and computational algorithms (SIFT: tolerated, PolyPhen-2: possibly damaging) predict conflicting effects of this variant on protein structure and/or function. Due to limited information regarding this variant, its clinical significance cannot be determined with certainty. Pathogenic EVC variants are associated with autosomal recessive Ellis-van Creveld syndrome (MIM:225500) and autosomal dominant Weyers acrodental dysostosis (MIM:193530).

GeneDx
Classification: Likely benign. Last evaluated: 2020-05-18. Review status: criteria provided, single submitter. Criteria: GeneDx Variant Classification Process June 2021. Collection method: clinical testing. Allele origin: germline. Affected: yes.

Illumina Laboratory Services, Illumina
Classification: Uncertain significance for Ellis-van Creveld syndrome. Last evaluated: 2018-01-13. Review status: criteria provided, single submitter. Criteria: ICSL Variant Classification Criteria 13 December 2019. Collection method: clinical testing. Allele origin: germline.

Genetic Services Laboratory, University of Chicago
Classification: Uncertain significance. Last evaluated: 2016-08-26. Review status: criteria provided, single submitter. Criteria: ACMG Guidelines, 2015. Collection method: clinical testing. Allele origin: germline. Affected: no.

Eurofins Ntd Llc (ga)
Classification: Uncertain significance. Last evaluated: 2014-12-16. Review status: criteria provided, single submitter. Criteria: EGL Classification Definitions 2015. Collection method: clinical testing. Allele origin: germline. Observed: 1 variant allele, 1 heterozygote.

PreventionGenetics, part of Exact Sciences
Classification: Likely benign for EVC-related condition. Last evaluated: 2022-06-29. Review status: no assertion criteria provided. Collection method: clinical testing. Allele origin: germline. Not counted in ClinVar's aggregate classification.
Comment: This variant is classified as likely benign based on ACMG/AMP sequence variant interpretation guidelines (Richards et al. 2015 PMID: 25741868, with internal and published modifications).

Natera, Inc.
Classification: Uncertain significance for Ellis-van Creveld syndrome. Last evaluated: 2019-11-11. Review status: no assertion criteria provided. Collection method: clinical testing. Allele origin: germline. Not counted in ClinVar's aggregate classification.

Literature cited by the submitters: PubMed 32234057 (cited by Women's Health and Genetics/Laboratory Corporation of America, LabCorp).